The following is an entry in ClinVar:

ClinVar aggregate classification (germline): Uncertain significance (1 of 4 stars; one submission).

Submission:

GeneDx
Classification: Uncertain significance. Last evaluated: 2026-03-10. Review status: criteria provided, single submitter. Criteria: GeneDx Variant Classification Process June 2021. Collection method: clinical testing. Allele origin: germline.
Comment: Not observed at significant frequency in large population cohorts (gnomAD); Has not been previously published as pathogenic or benign to our knowledge; In silico analysis suggests this variant may impact gene splicing. In the absence of RNA/functional studies, the actual effect of this sequence change is unknown.

NM_000218.3(KCNQ1):c.571C>T (p.Leu191=)

Gene: KCNQ1 (potassium voltage-gated channel subfamily Q member 1; plus strand). Cytogenetic location: 11p15.5.
Variant type: single nucleotide variant.
Coding change: c.571C>T on transcript NM_000218.3 (MANE Select); coding-DNA position 571, C replaced by T.
Protein change: p.Leu191=; no amino-acid change (leucine 191 retained).
Molecular consequence: synonymous variant. On other transcripts: intron variant (1).
Genome position (GRCh38, 1-based): chr11:2,570,721, C>T. VCF-style: chr11-2570721-C-T. GRCh37 (hg19) VCF-style: chr11-2591951-C-T.
Other names: c.571C>T, p.Leu191= (NM_001406836.1); c.301C>T, p.Leu101= (NM_001406837.1); c.190C>T, p.Leu64= (NM_181798.2); c.478-12714C>T (NM_001406838.1).
Identifiers: ClinVar variation 5008894 (VCV005008894.1).